The following is an entry in ClinVar:

ClinVar aggregate classification (germline): Uncertain significance (1 of 4 stars; one submission).

Conditions:
Intellectual developmental disorder, autosomal dominant 1. Also called: Intellectual disability, autosomal dominant 1; MBD5 Haploinsufficiency. Identifiers: Orphanet 228402, MedGen C1969562, MONDO:0007974, OMIM 156200.

gnomAD v4.1: 1 of 1,613,932 alleles (0.000062%); no homozygotes.

Submission:

Labcorp Genetics (formerly Invitae), Labcorp
Classification: Uncertain significance for Mental retardation, autosomal dominant 1. Last evaluated: 2018-11-21. Review status: criteria provided, single submitter. Criteria: Invitae Variant Classification Sherloc (09022015). Collection method: clinical testing. Allele origin: germline.
Comment: This sequence change replaces histidine with tyrosine at codon 208 of the MBD5 protein (p.His208Tyr). The histidine residue is highly conserved and there is a moderate physicochemical difference between histidine and tyrosine. This variant is not present in population databases (ExAC no frequency). This variant has not been reported in the literature in individuals with MBD5-related disease. Algorithms developed to predict the effect of missense changes on protein structure and function (SIFT, PolyPhen-2, Align-GVGD) all suggest that this variant is likely to be tolerated, but these predictions have not been confirmed by published functional studies and their clinical significance is uncertain. In summary, the available evidence is currently insufficient to determine the role of this variant in disease. Therefore, it has been classified as a Variant of Uncertain Significance.

NM_001378120.1(MBD5):c.622C>T (p.His208Tyr)

Gene: MBD5 (methyl-CpG binding domain protein 5; plus strand). Cytogenetic location: 2q23.1.
Variant type: single nucleotide variant.
Coding change: c.622C>T on transcript NM_001378120.1 (MANE Select); coding-DNA position 622, C replaced by T.
Protein change: p.His208Tyr; replaces histidine 208 with tyrosine.
Molecular consequence: missense variant.
Genome position (GRCh38, 1-based): chr2:148,468,565, C>T. VCF-style: chr2-148468565-C-T. GRCh37 (hg19) VCF-style: chr2-149226134-C-T.
Other names: c.622C>T, p.His208Tyr (NM_018328.5); short protein forms H208Y.
Identifiers: ClinVar variation 661807 (VCV000661807.1), dbSNP rs1574458957, ClinGen allele CA348717203.